The following is an entry in ClinVar:

NM_016734.3(PAX5):c.345G>C (p.Arg115Ser)

Gene: PAX5 (paired box 5; minus strand). Cytogenetic location: 9p13.2.
Variant type: single nucleotide variant.
Coding change: c.345G>C on transcript NM_016734.3 (MANE Select); coding-DNA position 345, G replaced by C.
Protein change: p.Arg115Ser; replaces arginine 115 with serine.
Molecular consequence: missense variant. On other transcripts: non-coding transcript variant (2), intron variant (1).
Genome position (GRCh38, 1-based): chr9:37,015,062, C>G on the plus strand (G>C on the coding strand, the complement: PAX5 is on the minus strand). VCF-style: chr9-37015062-C-G. GRCh37 (hg19) VCF-style: chr9-37015059-C-G.
Other names: c.345G>C (NM_016734.2); c.345G>C, p.Arg115Ser (NM_001280549.2, NM_001280550.2, NM_001280552.2 and 4 more transcripts); c.21G>C, p.Arg7Ser (NM_001280551.2, NM_001280556.2); c.212+5574G>C (NM_001280555.2); short protein forms R115S, R7S.
Identifiers: ClinVar variation 4861609 (VCV004861609.2).
Genomic context (GRCh38, chr9:37,015,062, plus strand): 5'-GATGGAACTGACGCTAGGCACGGTGTCATTGTCACACACCCGCTCTGCCAGCAGCCGGTC[C>G]CTGATCTCCCAGGCAAACATGGTGGGATTTTGGCGTTTATATTCAGCGATTTTTTCCACC-3'
Protein context (NP_057953.1, residues 105-125): QNPTMFAWEI[Arg115Ser]DRLLAERVCD

ClinVar aggregate classification (germline): Uncertain significance. Review status: criteria provided, multiple submitters, no conflicts (2 of 4 stars). 2 submissions from 2 submitters: Uncertain significance (2). Last evaluated 2026-04-22.

Conditions:
PAX5-related disorder. Also called: PAX5-related condition.
Inborn genetic diseases. Identifiers: MedGen C0950123, MeSH D030342.

Submissions (2):

Ambry Genetics
Classification: Uncertain significance for Inborn genetic diseases. Last evaluated: 2026-04-22. Review status: criteria provided, single submitter. Criteria: Ambry Variant Classification Scheme 2023. Collection method: clinical testing. Allele origin: germline.
Comment: The p.R115S variant (also known as c.345G>C), located in coding exon 3 of the PAX5 gene, results from a G to C substitution at nucleotide position 345. The arginine at codon 115 is replaced by serine, an amino acid with dissimilar properties. This amino acid position is conserved. In addition, this alteration is predicted to be deleterious by in silico analysis. Based on the available evidence, the clinical significance of this variant remains unclear.

PreventionGenetics, part of Exact Sciences
Classification: Uncertain significance for PAX5-related condition. Last evaluated: 2025-04-24. Review status: criteria provided, single submitter. Criteria: ACMG Guidelines, 2015. Collection method: clinical testing. Allele origin: germline.
Comment: The PAX5 c.345G>C variant is predicted to result in the amino acid substitution p.Arg115Ser. To our knowledge, this variant has not been reported in the literature or in a large population database (gnomAD), indicating this variant is rare. At this time, the clinical significance of this variant is uncertain due to the absence of conclusive functional and genetic evidence.